The following is an entry in ClinVar:

ClinVar aggregate classification (germline): Uncertain significance (1 of 4 stars; one submission).

Conditions:
Renal cell carcinoma. Identifiers: Orphanet 217071, MedGen C0007134, MeSH D002292, MONDO:0005086, HP:0005584.

Submission:

Labcorp Genetics (formerly Invitae), Labcorp
Classification: Uncertain significance for Renal cell carcinoma. Last evaluated: 2025-07-27. Review status: criteria provided, single submitter. Criteria: Invitae Variant Classification Sherloc (09022015). Collection method: clinical testing. Allele origin: germline.
Comment: This sequence change replaces phenylalanine, which is neutral and non-polar, with valine, which is neutral and non-polar, at codon 1348 of the MET protein (p.Phe1348Val). This variant is not present in population databases (gnomAD no frequency). This variant has not been reported in the literature in individuals affected with MET-related conditions. ClinVar contains an entry for this variant (Variation ID: 3654222). Invitae Evidence Modeling of protein sequence and biophysical properties (such as structural, functional, and spatial information, amino acid conservation, physicochemical variation, residue mobility, and thermodynamic stability) indicates that this missense variant is expected to disrupt MET protein function with a positive predictive value of 80%. In summary, the available evidence is currently insufficient to determine the role of this variant in disease. Therefore, it has been classified as a Variant of Uncertain Significance.

NM_000245.4(MET):c.3988T>G (p.Phe1330Val)

Gene: MET (MET proto-oncogene, receptor tyrosine kinase; plus strand). Cytogenetic location: 7q31.2.
Variant type: single nucleotide variant.
Coding change: c.3988T>G on transcript NM_000245.4 (MANE Select); coding-DNA position 3988, T replaced by G.
Protein change: p.Phe1330Val; replaces phenylalanine 1330 with valine.
Molecular consequence: missense variant.
Genome position (GRCh38, 1-based): chr7:116,795,939, T>G. VCF-style: chr7-116795939-T-G. GRCh37 (hg19) VCF-style: chr7-116435993-T-G.
Other names: c.4042T>G, p.Phe1348Val (NM_001127500.3); c.2698T>G, p.Phe900Val (NM_001324402.2); short protein forms F1330V, F1348V, F900V.
Identifiers: ClinVar variation 3654222 (VCV003654222.2).